The following is an entry in ClinVar:

ClinVar aggregate classification (germline): Likely benign (1 of 4 stars; one submission).

Allele frequency attached by ClinVar (database versions not stated): ESP Exome Variant Server 0.00219; TOPMed 0.00235; 1000 Genomes Project 30x 0.00297; gnomAD 0.00309; 1000 Genomes Project 0.00359; gnomAD exomes 0.00415; ExAC 0.00453.
gnomAD v4.1: 6,466 of 1,612,508 alleles (0.4%); highest among the groups gnomAD compares: South Asian, 0.91%; 40 homozygotes.

Submission:

CeGaT Center for Human Genetics Tuebingen
Classification: Likely benign. Last evaluated: 2026-06-01. Review status: criteria provided, single submitter. Criteria: CeGaT Center For Human Genetics Tuebingen Variant Classification Criteria Version 2. Collection method: clinical testing. Allele origin: germline. Affected: yes. Observed: 4 variant alleles.
Comment: PLXNB2: BS2

NM_012401.4(PLXNB2):c.5410G>A (p.Glu1804Lys)

Gene: PLXNB2 (plexin B2; minus strand). Cytogenetic location: 22q13.33.
Variant type: single nucleotide variant.
Coding change: c.5410G>A on transcript NM_012401.4 (MANE Select); coding-DNA position 5410, G replaced by A.
Protein change: p.Glu1804Lys; replaces glutamic acid 1804 with lysine.
Molecular consequence: missense variant.
Genome position (GRCh38, 1-based): chr22:50,275,891, C>T on the plus strand (G>A on the coding strand, the complement: PLXNB2 is on the minus strand). VCF-style: chr22-50275891-C-T. GRCh37 (hg19) VCF-style: chr22-50714320-C-T.
Other names: c.5647G>A, p.Glu1883Lys (NM_001376864.1); c.5479G>A, p.Glu1827Lys (NM_001376865.1); c.5410G>A, p.Glu1804Lys (NM_001376866.1, NM_001376867.1, NM_001376868.1 and 14 more transcripts); c.5386G>A, p.Glu1796Lys (NM_001376883.1); c.5332G>A, p.Glu1778Lys (NM_001376884.1, NM_001376885.1); c.5317G>A, p.Glu1773Lys (NM_001376886.1); short protein forms E1773K, E1778K, E1796K, E1804K, E1827K, E1883K.
Identifiers: ClinVar variation 2653374 (VCV002653374.24), dbSNP rs149124212, ClinGen allele CA10311472.
Genomic context (GRCh38, chr22:50,275,891, plus strand): 5'-CACACCGGGGGACCGCCCAGCACCCCACCTGCCCCCGCCCCCGGGGGCCTGACCCTACCT[C>T]GTCATAGTACTTCTGCGTGTATTGGTAGAGCTGGTGGAGTGCCACGAGGGTGTTCAAGGA-3'
Protein context (NP_036533.2, residues 1794-1814): LYQYTQKYYD[Glu1804Lys]IINALEEDPA